The following is an entry in ClinVar:

NM_013275.6(ANKRD11):c.2180A>T (p.Asp727Val)

Gene: ANKRD11 (ankyrin repeat domain 11; minus strand). Cytogenetic location: 16q24.3.
Variant type: single nucleotide variant.
Coding change: c.2180A>T on transcript NM_013275.6 (MANE Select); coding-DNA position 2180, A replaced by T.
Protein change: p.Asp727Val; replaces aspartic acid 727 with valine.
Molecular consequence: missense variant.
Genome position (GRCh38, 1-based): chr16:89,284,362, T>A on the plus strand (A>T on the coding strand, the complement: ANKRD11 is on the minus strand). VCF-style: chr16-89284362-T-A. GRCh37 (hg19) VCF-style: chr16-89350770-T-A.
Other names: c.2180A>T, p.Asp727Val (NM_001256182.2, NM_001256183.2); short protein forms D727V.
Identifiers: ClinVar variation 3372602 (VCV003372602.2).

ClinVar aggregate classification (germline): Uncertain significance. Review status: criteria provided, multiple submitters, no conflicts (2 of 4 stars). 2 submissions from 2 submitters: Uncertain significance (2). Last evaluated 2026-07-24.

Conditions:
ANKRD11-related disorder. Also called: ANKRD11-related condition.

gnomAD v4.1: 1 of 1,613,802 alleles (0.000062%); highest among the groups gnomAD compares: African/African-American, 0.0013%; no homozygotes.

Submissions (2):

PreventionGenetics, part of Exact Sciences
Classification: Uncertain significance for ANKRD11-related condition. Last evaluated: 2026-07-24. Review status: criteria provided, single submitter. Criteria: ACMG Guidelines, 2015. Collection method: clinical testing. Allele origin: germline.
Comment: The ANKRD11 c.2180A>T variant is predicted to result in the amino acid substitution p.Asp727Val. To our knowledge, this variant has not been reported in the literature or in a large population database (gnomAD), indicating this variant is rare. At this time, the clinical significance of this variant is uncertain due to the absence of conclusive functional and genetic evidence.

GeneDx
Classification: Uncertain significance. Last evaluated: 2024-04-17. Review status: criteria provided, single submitter. Criteria: GeneDx Variant Classification Process June 2021. Collection method: clinical testing. Allele origin: germline. Affected: yes.
Comment: Not observed at significant frequency in large population cohorts (gnomAD); In silico analysis supports that this missense variant has a deleterious effect on protein structure/function; Has not been previously published as pathogenic or benign to our knowledge